The following is an entry in ClinVar:

NM_007078.3(LDB3):c.79C>T (p.Leu27Phe)

Gene: LDB3 (LIM domain binding 3; plus strand). Cytogenetic location: 10q23.2.
Variant type: single nucleotide variant.
Coding change: c.79C>T on transcript NM_007078.3 (MANE Select); coding-DNA position 79, C replaced by T.
Protein change: p.Leu27Phe; replaces leucine 27 with phenylalanine.
Molecular consequence: missense variant.
Genome position (GRCh38, 1-based): chr10:86,668,770, C>T. VCF-style: chr10-86668770-C-T. GRCh37 (hg19) VCF-style: chr10-88428527-C-T.
Other names: c.79C>T, p.Leu27Phe (NM_001080114.2, NM_001080115.2, NM_001080116.1 and 8 more transcripts); short protein forms L27F.
Identifiers: ClinVar variation 452207 (VCV000452207.2), dbSNP rs1554844343, ClinGen allele CA377448823.

ClinVar aggregate classification (germline): Uncertain significance (1 of 4 stars; one submission).

gnomAD v4.1: 1 of 1,613,082 alleles (0.000062%); highest among the groups gnomAD compares: Non-Finnish European, 0.000085%; no homozygotes.

Submission:

GeneDx
Classification: Uncertain significance. Last evaluated: 2017-09-19. Review status: criteria provided, single submitter. Criteria: GeneDx Variant Classification (06012015). Collection method: clinical testing. Allele origin: germline. Affected: yes.
Comment: The L27F variant has not been published as a pathogenic variant, nor has it been reported as a benign variant to our knowledge. The L27F variant is not observed in large population cohorts (Lek et al., 2016). This variant is a conservative amino acid substitution, which is not likely to impact secondary protein structure as these residues share similar properties. However, this substitution occurs at a position that is conserved across species, and in silico analysis predicts this variant is probably damaging to the protein structure/function.